The following is an entry in ClinVar:

NM_014611.3(MDN1):c.1978A>G (p.Ile660Val)

Gene: MDN1 (midasin AAA ATPase 1; minus strand). Cytogenetic location: 6q15.
Variant type: single nucleotide variant.
Coding change: c.1978A>G on transcript NM_014611.3 (MANE Select); coding-DNA position 1978, A replaced by G.
Protein change: p.Ile660Val; replaces isoleucine 660 with valine.
Molecular consequence: missense variant.
Genome position (GRCh38, 1-based): chr6:89,772,678, T>C on the plus strand (A>G on the coding strand, the complement: MDN1 is on the minus strand). VCF-style: chr6-89772678-T-C. GRCh37 (hg19) VCF-style: chr6-90482397-T-C.
Other names: short protein forms I660V.
Identifiers: ClinVar variation 3060095 (VCV003060095.2), dbSNP rs12110451, ClinGen allele CA3925800.
Genomic context (GRCh38, chr6:89,772,678, plus strand): 5'-CGGTCTCTCCCACCAGCAACACAGGCTCCCCTTTGCTGACACACACTGCAAGCTGCTCGA[T>C]GAGAACAGAGGACGGCCGTGTAGCAGCGAAAGTGAACTTCTCCCTGGGAAGGAGAAAAAA-3'
Protein context (NP_055426.1, residues 650-670): FAATRPSSVL[Ile660Val]EQLAVCVSKG

ClinVar aggregate classification (germline): Benign (0 of 4 stars; one submission).

Conditions:
MDN1-related disorder. Also called: MDN1-related condition.

Allele frequency attached by ClinVar (database versions not stated): 1000 Genomes Project 30x 0.16006; 1000 Genomes Project 0.16414; TOPMed 0.17860; gnomAD 0.17901; ESP Exome Variant Server 0.18353.
gnomAD v4.1: 281,506 of 1,613,746 alleles (17%); highest among the groups gnomAD compares: East Asian, 20%; 25,175 homozygotes.

Submission:

PreventionGenetics, part of Exact Sciences
Classification: Benign for MDN1-related condition. Last evaluated: 2019-10-21. Review status: no assertion criteria provided. Collection method: clinical testing. Allele origin: germline.
Comment: This variant is classified as benign based on ACMG/AMP sequence variant interpretation guidelines (Richards et al. 2015 PMID: 25741868, with internal and published modifications).